The following is an entry in ClinVar:

ClinVar aggregate classification (germline): Conflicting classifications of pathogenicity. Review status: criteria provided, conflicting classifications (1 of 4 stars). 4 submissions from 4 submitters: Likely pathogenic (1); Uncertain significance (3). Last evaluated 2022-08-08.

Conditions:
Inborn genetic diseases. Identifiers: MedGen C0950123, MeSH D030342.
Tay-Sachs disease (TSD). Also called: Hexosaminidase A Deficiency; HEXA Disorders; HEXA DEFICIENCY; GM2 gangliosidosis, type 1; Hexosaminidase alpha-subunit deficiency (variant B); Sphingolipidosis, Tay-Sachs. Identifiers: Orphanet 845, MedGen C0039373, MONDO:0010100, OMIM 272800.

Allele frequency attached by ClinVar (database versions not stated): gnomAD exomes 0.00001; TOPMed 0.00002; ExAC 0.00003; gnomAD 0.00003.

Submissions (4):

Labcorp Genetics (formerly Invitae), Labcorp
Classification: Uncertain significance for Tay-Sachs disease. Last evaluated: 2022-08-08. Review status: criteria provided, single submitter. Criteria: Invitae Variant Classification Sherloc (09022015). Collection method: clinical testing. Allele origin: germline.
Comment: This sequence change replaces arginine, which is basic and polar, with cysteine, which is neutral and slightly polar, at codon 166 of the HEXA protein (p.Arg166Cys). This variant is present in population databases (rs759487463, gnomAD 0.02%). This variant has not been reported in the literature in individuals affected with HEXA-related conditions. Algorithms developed to predict the effect of missense changes on protein structure and function (SIFT, PolyPhen-2, Align-GVGD) all suggest that this variant is likely to be disruptive. In summary, the available evidence is currently insufficient to determine the role of this variant in disease. Therefore, it has been classified as a Variant of Uncertain Significance.

Ambry Genetics
Classification: Uncertain significance for Inborn genetic diseases. Last evaluated: 2021-04-29. Review status: criteria provided, single submitter. Criteria: Ambry Variant Classification Scheme 2023. Collection method: clinical testing. Allele origin: germline.

Kariminejad - Najmabadi Pathology & Genetics Center
Classification: Likely pathogenic for Tay-Sachs disease. Review status: criteria provided, single submitter. Criteria: ACMG Guidelines, 2015. Collection method: clinical testing. Allele origin: germline. Affected: no.

Neuberg Centre For Genomic Medicine, NCGM
Classification: Uncertain significance for Tay-Sachs disease. Review status: criteria provided, single submitter. Criteria: ACMG Guidelines, 2015. Collection method: clinical testing. Allele origin: germline. Inheritance: Autosomal recessive inheritance. Affected: yes.
Comment: The missense c.496C>T (p.Arg166Cys) variant in HEXA gene has not been reported previously as a pathogenic variant nor as a benign variant, to our knowledge. The p.Arg166Cys variant is present with allele frequency of 0.003% in gnomAD Exomes. This variant has been submitted to the ClinVar database as Uncertain Significance (multiple submitters). Multiple lines of computational evidence (Polyphen - Probably damaging, SIFT – Damaging and Mutation Taster - Disease causing) predict a damaging effect on protein structure and function for this variant. The reference amino acid at this position on HEXA gene is predicted as conserved by GERP++ and PhyloP across 100 vertebrates. The amino acid Arg at position 166 is changed to a Cys changing protein sequence and it might alter its composition and physico-chemical properties. For these reasons, this variant has been classified as Variant of Uncertain Significance (VUS). In the absence of another reportable variant in HEXA gene, the molecular diagnosis is not confirmed.

NM_000520.6(HEXA):c.496C>T (p.Arg166Cys)

Gene: HEXA (hexosaminidase subunit alpha; minus strand). Cytogenetic location: 15q23.
Variant type: single nucleotide variant.
Coding change: c.496C>T on transcript NM_000520.6 (MANE Select); coding-DNA position 496, C replaced by T.
Protein change: p.Arg166Cys; replaces arginine 166 with cysteine.
Molecular consequence: missense variant. On other transcripts: non-coding transcript variant (1).
Genome position (GRCh38, 1-based): chr15:72,353,142, G>A on the plus strand (C>T on the coding strand, the complement: HEXA is on the minus strand). VCF-style: chr15-72353142-G-A. GRCh37 (hg19) VCF-style: chr15-72645483-G-A.
Other names: c.529C>T, p.Arg177Cys (NM_001318825.2); short protein forms R166C, R177C.
Identifiers: ClinVar variation 2071028 (VCV002071028.4), dbSNP rs759487463, ClinGen allele CA7644982.